The following is an entry in ClinVar:

NM_015295.3(SMCHD1):c.4795C>A (p.Leu1599Ile)

Gene: SMCHD1 (structural maintenance of chromosomes flexible hinge domain containing 1; plus strand). Cytogenetic location: 18p11.32.
Variant type: single nucleotide variant.
Coding change: c.4795C>A on transcript NM_015295.3 (MANE Select); coding-DNA position 4795, C replaced by A.
Protein change: p.Leu1599Ile; replaces leucine 1599 with isoleucine.
Molecular consequence: missense variant.
Genome position (GRCh38, 1-based): chr18:2,769,769, C>A. VCF-style: chr18-2769769-C-A. GRCh37 (hg19) VCF-style: chr18-2769767-C-A.
Other names: short protein forms L1599I.
Identifiers: ClinVar variation 1045055 (VCV001045055.8), dbSNP rs780994607, ClinGen allele CA8871572.

ClinVar aggregate classification (germline): Uncertain significance (1 of 4 stars; one submission).

Conditions:
Facioscapulohumeral muscular dystrophy 2 (FSHD2). Also called: MUSCULAR DYSTROPHY, FACIOSCAPULOHUMERAL, TYPE 1B; FACIOSCAPULOHUMERAL MUSCULAR DYSTROPHY 2, DIGENIC; FSHD2, DIGENIC. Identifiers: Orphanet 269, MedGen C1834671, MONDO:0008031, OMIM 158901.

Allele frequency attached by ClinVar (database versions not stated): gnomAD exomes 0.00001; ExAC 0.00002.
gnomAD v4.1: 3 of 1,604,566 alleles (0.00019%); highest among the groups gnomAD compares: Admixed American, 0.0051%; no homozygotes.

Submission:

Labcorp Genetics (formerly Invitae), Labcorp
Classification: Uncertain significance for Facioscapulohumeral muscular dystrophy 2. Last evaluated: 2023-05-08. Review status: criteria provided, single submitter. Criteria: Invitae Variant Classification Sherloc (09022015). Collection method: clinical testing. Allele origin: germline.
Comment: In summary, the available evidence is currently insufficient to determine the role of this variant in disease. Therefore, it has been classified as a Variant of Uncertain Significance. Advanced modeling of protein sequence and biophysical properties (such as structural, functional, and spatial information, amino acid conservation, physicochemical variation, residue mobility, and thermodynamic stability) performed at Invitae indicates that this missense variant is not expected to disrupt SMCHD1 protein function. ClinVar contains an entry for this variant (Variation ID: 1045055). This variant has not been reported in the literature in individuals affected with SMCHD1-related conditions. The frequency data for this variant in the population databases is considered unreliable, as metrics indicate poor data quality at this position in the gnomAD database. This sequence change replaces leucine, which is neutral and non-polar, with isoleucine, which is neutral and non-polar, at codon 1599 of the SMCHD1 protein (p.Leu1599Ile).